The following is an entry in ClinVar:

NM_001127178.3(PIGG):c.589A>G (p.Arg197Gly)

Gene: PIGG (phosphatidylinositol glycan anchor biosynthesis class G (EMM blood group); plus strand). Cytogenetic location: 4p16.3.
Variant type: single nucleotide variant.
Coding change: c.589A>G on transcript NM_001127178.3 (MANE Select); coding-DNA position 589, A replaced by G.
Protein change: p.Arg197Gly; replaces arginine 197 with glycine.
Molecular consequence: missense variant. On other transcripts: 5 prime UTR variant (4), non-coding transcript variant (10), intron variant (1).
Genome position (GRCh38, 1-based): chr4:507,423, A>G. VCF-style: chr4-507423-A-G. GRCh37 (hg19) VCF-style: chr4-501212-A-G.
Other names: c.322A>G, p.Arg108Gly (NM_001289051.2, NM_001289053.2, NM_001289057.2 and 2 more transcripts); c.223A>G, p.Arg75Gly (NM_001289055.2); c.-299A>G (NM_001345988.2); c.589A>G, p.Arg197Gly (NM_001345989.2, NM_017733.5); c.-1037A>G (NM_001345990.2); c.-899A>G (NM_001345991.2); c.-624A>G (NM_001345994.2); c.361-1406A>G (NM_001289052.2); and 1 more; short protein forms R197G, R75G, R108G.
Identifiers: ClinVar variation 1027681 (VCV001027681.9), dbSNP rs151220901, ClinGen allele CA2793045.

ClinVar aggregate classification (germline): Uncertain significance. Review status: criteria provided, multiple submitters, no conflicts (2 of 4 stars). 3 submissions from 3 submitters: Uncertain significance (3). Last evaluated 2025-07-14.

Conditions:
Intellectual disability, autosomal recessive 53 (NEDHSCA). Also called: NEURODEVELOPMENTAL DISORDER WITH OR WITHOUT HYPOTONIA, SEIZURES, AND CEREBELLAR ATROPHY; GLYCOSYLPHOSPHATIDYLINOSITOL BIOSYNTHESIS DEFECT 13; Mental retardation, autosomal recessive 53. Identifiers: Orphanet 488635, MedGen C4310794, MONDO:0014832, OMIM 616917.
Inborn genetic diseases. Identifiers: MedGen C0950123, MeSH D030342.

Allele frequency attached by ClinVar (database versions not stated): ExAC 0.00004; gnomAD exomes 0.00005 and 0.00006; gnomAD 0.00006; TOPMed 0.00009; ESP Exome Variant Server 0.00031.
gnomAD v4.1: 94 of 1,611,920 alleles (0.0058%); highest among the groups gnomAD compares: Non-Finnish European, 0.0079%; no homozygotes.

Submissions (3):

Labcorp Genetics (formerly Invitae), Labcorp
Classification: Uncertain significance for Intellectual disability, autosomal recessive 53. Last evaluated: 2025-07-14. Review status: criteria provided, single submitter. Criteria: Invitae Variant Classification Sherloc (09022015). Collection method: clinical testing. Allele origin: germline.
Comment: This sequence change replaces arginine, which is basic and polar, with glycine, which is neutral and non-polar, at codon 197 of the PIGG protein (p.Arg197Gly). This variant is present in population databases (rs151220901, gnomAD 0.01%). This variant has not been reported in the literature in individuals affected with PIGG-related conditions. ClinVar contains an entry for this variant (Variation ID: 1027681). Invitae Evidence Modeling of protein sequence and biophysical properties (such as structural, functional, and spatial information, amino acid conservation, physicochemical variation, residue mobility, and thermodynamic stability) indicates that this missense variant is expected to disrupt PIGG protein function with a positive predictive value of 80%. In summary, the available evidence is currently insufficient to determine the role of this variant in disease. Therefore, it has been classified as a Variant of Uncertain Significance.

Ambry Genetics
Classification: Uncertain significance for Inborn genetic diseases. Last evaluated: 2023-11-27. Review status: criteria provided, single submitter. Criteria: Ambry Variant Classification Scheme 2023. Collection method: clinical testing. Allele origin: germline.

Baylor Genetics
Classification: Uncertain significance for Intellectual disability, autosomal recessive 53. Last evaluated: 2019-09-25. Review status: criteria provided, single submitter. Criteria: ACMG Guidelines, 2015. Collection method: clinical testing. Allele origin: paternal. Affected: yes.
Comment: This variant was determined to be of uncertain significance according to ACMG Guidelines, 2015 [PMID:25741868].